The following is an entry in ClinVar:

ClinVar aggregate classification (germline): Uncertain significance. Review status: criteria provided, multiple submitters, no conflicts (2 of 4 stars). 2 submissions from 2 submitters: Uncertain significance (2). Last evaluated 2025-09-10.

Conditions:
Autosomal recessive spastic paraplegia type 78. Identifiers: Orphanet 513436, MedGen C5567893, MONDO:0014975, OMIM 617225.
Kufor-Rakeb syndrome (KRS). Also called: PARKINSON DISEASE 9, AUTOSOMAL RECESSIVE, JUVENILE-ONSET. Identifiers: Orphanet 306674, Orphanet 314632, MedGen C1847640, MONDO:0011706, OMIM 606693.
Inborn genetic diseases. Identifiers: MedGen C0950123, MeSH D030342.

Allele frequency attached by ClinVar (database versions not stated): ExAC 0.00001; TOPMed 0.00002; gnomAD 0.00003.
gnomAD v4.1: 17 of 1,613,936 alleles (0.0011%); highest among the groups gnomAD compares: African/African-American, 0.008%; 1 homozygote.

Submissions (2):

Ambry Genetics
Classification: Uncertain significance for Inborn genetic diseases. Last evaluated: 2025-09-10. Review status: criteria provided, single submitter. Criteria: Ambry Variant Classification Scheme 2023. Collection method: clinical testing. Allele origin: germline.

Labcorp Genetics (formerly Invitae), Labcorp
Classification: Uncertain significance for Kufor-Rakeb syndrome; Autosomal recessive spastic paraplegia type 78. Last evaluated: 2023-07-17. Review status: criteria provided, single submitter. Criteria: Invitae Variant Classification Sherloc (09022015). Collection method: clinical testing. Allele origin: germline.
Comment: ClinVar contains an entry for this variant (Variation ID: 2057705). This variant has not been reported in the literature in individuals affected with ATP13A2-related conditions. This variant is present in population databases (rs771707117, gnomAD 0.01%). This sequence change replaces arginine, which is basic and polar, with cysteine, which is neutral and slightly polar, at codon 500 of the ATP13A2 protein (p.Arg500Cys). Advanced modeling of protein sequence and biophysical properties (such as structural, functional, and spatial information, amino acid conservation, physicochemical variation, residue mobility, and thermodynamic stability) performed at Invitae indicates that this missense variant is not expected to disrupt ATP13A2 protein function. In summary, the available evidence is currently insufficient to determine the role of this variant in disease. Therefore, it has been classified as a Variant of Uncertain Significance.

NM_022089.4(ATP13A2):c.1498C>T (p.Arg500Cys)

Gene: ATP13A2 (ATPase cation transporting 13A2; minus strand). Cytogenetic location: 1p36.13.
Variant type: single nucleotide variant.
Coding change: c.1498C>T on transcript NM_022089.4 (MANE Select); coding-DNA position 1498, C replaced by T.
Protein change: p.Arg500Cys; replaces arginine 500 with cysteine.
Molecular consequence: missense variant.
Genome position (GRCh38, 1-based): chr1:16,996,020, G>A on the plus strand (C>T on the coding strand, the complement: ATP13A2 is on the minus strand). VCF-style: chr1-16996020-G-A. GRCh37 (hg19) VCF-style: chr1-17322515-G-A.
Other names: c.1483C>T, p.Arg495Cys (NM_001141973.3, NM_001141974.3); c.1498C>T (NM_022089.2); short protein forms R495C, R500C.
Identifiers: ClinVar variation 2057705 (VCV002057705.5), dbSNP rs771707117, ClinGen allele CA637195.